The following is an entry in ClinVar:

NM_000222.3(KIT):c.1205C>T (p.Ala402Val)

Gene: KIT (KIT proto-oncogene, receptor tyrosine kinase; plus strand). Cytogenetic location: 4q12.
Variant type: single nucleotide variant.
Coding change: c.1205C>T on transcript NM_000222.3 (MANE Select); coding-DNA position 1205, C replaced by T.
Protein change: p.Ala402Val; replaces alanine 402 with valine.
Molecular consequence: missense variant.
Genome position (GRCh38, 1-based): chr4:54,709,513, C>T. VCF-style: chr4-54709513-C-T. GRCh37 (hg19) VCF-style: chr4-55575679-C-T.
Other names: c.1205C>T, p.Ala402Val (NM_001093772.2, NM_001385285.1, NM_001385286.1); c.1208C>T, p.Ala403Val (NM_001385284.1, NM_001385288.1, NM_001385290.1 and 1 more transcripts); short protein forms A403V, A402V.
Identifiers: ClinVar variation 4043739 (VCV004043739.1).

ClinVar aggregate classification (germline): Uncertain significance (1 of 4 stars; one submission).

Conditions:
Hereditary cancer-predisposing syndrome. Also called: Neoplastic Syndromes, Hereditary; Tumor predisposition; Hereditary neoplastic syndrome; Hereditary Cancer Syndrome. Identifiers: Orphanet 140162, MedGen C0027672, MeSH D009386, MONDO:0015356.

Submission:

Ambry Genetics
Classification: Uncertain significance for Hereditary cancer-predisposing syndrome. Last evaluated: 2025-05-15. Review status: criteria provided, single submitter. Criteria: Ambry Variant Classification Scheme 2023. Collection method: clinical testing. Allele origin: germline.
Comment: The p.A402V variant (also known as c.1205C>T), located in coding exon 7 of the KIT gene, results from a C to T substitution at nucleotide position 1205. The alanine at codon 402 is replaced by valine, an amino acid with similar properties. This amino acid position is conserved. In addition, this alteration is predicted to be tolerated by in silico analysis. Based on the available evidence, the clinical significance of this variant remains unclear.